The following is an entry in ClinVar:

ClinVar aggregate classification (germline): Uncertain significance. Review status: criteria provided, multiple submitters, no conflicts (2 of 4 stars). 3 submissions from 3 submitters: Uncertain significance (3). Last evaluated 2024-07-25.

Conditions:
Retinal dystrophy. Also called: Inherited retinal dystrophy. Identifiers: Orphanet 71862, MedGen C0854723, MeSH D058499, MONDO:0019118, HP:0000556.

Allele frequency attached by ClinVar (database versions not stated): ExAC 0.00003; gnomAD exomes 0.00003; TOPMed 0.00005; gnomAD 0.00006.
gnomAD v4.1: 44 of 1,613,456 alleles (0.0027%); highest among the groups gnomAD compares: Middle Eastern, 0.016%; 1 homozygote.

Submissions (3):

Blueprint Genetics
Classification: Uncertain significance. Last evaluated: 2024-07-25. Review status: criteria provided, single submitter. Criteria: ACMG Guidelines, 2015. Collection method: clinical testing. Allele origin: germline.

Dept Of Ophthalmology, Nagoya University
Classification: Uncertain significance for Retinal dystrophy. Last evaluated: 2023-10-01. Review status: criteria provided, single submitter. Criteria: Submitter's publication. Collection method: research. Allele origin: germline. Affected: yes.

Labcorp Genetics (formerly Invitae), Labcorp
Classification: Uncertain significance. Last evaluated: 2022-08-10. Review status: criteria provided, single submitter. Criteria: Invitae Variant Classification Sherloc (09022015). Collection method: clinical testing. Allele origin: germline.
Comment: This sequence change replaces arginine, which is basic and polar, with histidine, which is basic and polar, at codon 167 of the MERTK protein (p.Arg167His). This variant is present in population databases (rs781470358, gnomAD 0.006%). This variant has not been reported in the literature in individuals affected with MERTK-related conditions. ClinVar contains an entry for this variant (Variation ID: 959589). Algorithms developed to predict the effect of missense changes on protein structure and function (SIFT, PolyPhen-2, Align-GVGD) all suggest that this variant is likely to be disruptive. In summary, the available evidence is currently insufficient to determine the role of this variant in disease. Therefore, it has been classified as a Variant of Uncertain Significance.

NM_006343.3(MERTK):c.500G>A (p.Arg167His)

Gene: MERTK (MER proto-oncogene, tyrosine kinase; plus strand). Cytogenetic location: 2q13.
Variant type: single nucleotide variant.
Coding change: c.500G>A on transcript NM_006343.3 (MANE Select); coding-DNA position 500, G replaced by A.
Protein change: p.Arg167His; replaces arginine 167 with histidine.
Molecular consequence: missense variant.
Genome position (GRCh38, 1-based): chr2:111,944,977, G>A. VCF-style: chr2-111944977-G-A. GRCh37 (hg19) VCF-style: chr2-112702554-G-A.
Other names: short protein forms R167H.
Identifiers: ClinVar variation 959589 (VCV000959589.6), dbSNP rs781470358, ClinGen allele CA1831061.